The following is an entry in ClinVar:

ClinVar aggregate classification (germline): Pathogenic (1 of 4 stars; one submission).

Submission:

Labcorp Genetics (formerly Invitae), Labcorp
Classification: Pathogenic. Last evaluated: 2023-03-27. Review status: criteria provided, single submitter. Criteria: Invitae Variant Classification Sherloc (09022015). Collection method: clinical testing. Allele origin: germline.
Comment: For these reasons, this variant has been classified as Pathogenic. This variant has not been reported in the literature in individuals affected with CEP152-related conditions. This variant is not present in population databases (gnomAD no frequency). This sequence change creates a premature translational stop signal (p.Glu640Leufs*5) in the CEP152 gene. It is expected to result in an absent or disrupted protein product. Loss-of-function variants in CEP152 are known to be pathogenic (PMID: 21131973).

Literature cited by the submitters: PubMed 21131973.

NM_001194998.2(CEP152):c.1918_1921del (p.Glu640fs)

Gene: CEP152 (centrosomal protein 152; minus strand). Cytogenetic location: 15q21.1.
Variant type: Deletion.
Coding change: c.1918_1921del on transcript NM_001194998.2 (MANE Select); coding-DNA positions 1918 to 1921, 4 bases deleted (GAAA; older notation c.1918_1921delGAAA).
Protein change: p.Glu640fs; shifts the reading frame from glutamic acid 640.
Molecular consequence: frameshift variant.
Genome position (GRCh38, 1-based): chr15:48,768,316-48,768,319, TTTC deleted on the plus strand (GAAA on the coding strand, the reverse complement: CEP152 is on the minus strand); deleting any 4 consecutive bases within chr15:48,768,316-48,768,322 gives the same sequence; the c. name uses the placement nearest the transcript's 3' end. VCF-style (leftmost placement, unchanged base first): chr15-48768315-GTTTC-G. GRCh37 (hg19) VCF-style: chr15-49060512-GTTTC-G.
Other names: c.1918_1921del, p.Glu640fs (NM_014985.4); short protein forms E640fs.
Identifiers: ClinVar variation 2839069 (VCV002839069.3), dbSNP rs776871724, ClinGen allele CA7548705.